The following is an entry in ClinVar:

NM_005068.3(SIM1):c.2079T>A (p.Thr693=)

Gene: SIM1 (SIM bHLH transcription factor 1; minus strand). Cytogenetic location: 6q16.3.
Variant type: single nucleotide variant.
Coding change: c.2079T>A on transcript NM_005068.3 (MANE Select); coding-DNA position 2079, T replaced by A.
Protein change: p.Thr693=; no amino-acid change (threonine 693 retained).
Molecular consequence: synonymous variant.
Genome position (GRCh38, 1-based): chr6:100,390,583, A>T on the plus strand (T>A on the coding strand, the complement: SIM1 is on the minus strand). VCF-style: chr6-100390583-A-T. GRCh37 (hg19) VCF-style: chr6-100838459-A-T.
Other names: c.2079T>A, p.Thr693= (NM_001374769.1).
Identifiers: ClinVar variation 3043797 (VCV003043797.2), dbSNP rs369749576, ClinGen allele CA3936883.

ClinVar aggregate classification (germline): Likely benign (0 of 4 stars; one submission).

Conditions:
SIM1-related disorder. Also called: SIM1-related disorders; SIM1-related condition.

Allele frequency attached by ClinVar (database versions not stated): gnomAD 0.00001; ExAC 0.00002; gnomAD exomes 0.00002; ESP Exome Variant Server 0.00008.
gnomAD v4.1: 30 of 1,614,090 alleles (0.0019%); highest among the groups gnomAD compares: Admixed American, 0.012%; no homozygotes.

Submission:

PreventionGenetics, part of Exact Sciences
Classification: Likely benign for SIM1-related condition. Last evaluated: 2022-05-20. Review status: no assertion criteria provided. Collection method: clinical testing. Allele origin: germline.
Comment: This variant is classified as likely benign based on ACMG/AMP sequence variant interpretation guidelines (Richards et al. 2015 PMID: 25741868, with internal and published modifications).